The following is an entry in ClinVar:

ClinVar aggregate classification (germline): Pathogenic (1 of 4 stars; one submission).

Conditions:
Congenital disorder of glycosylation, type Iaa. Also called: Congenital disorder of glycosylation, type 1aa. Identifiers: MedGen C4310727, MONDO:0014904, OMIM 617082.

Submission:

Labcorp Genetics (formerly Invitae), Labcorp
Classification: Pathogenic for Congenital disorder of glycosylation, type Iaa. Last evaluated: 2023-06-13. Review status: criteria provided, single submitter. Criteria: Invitae Variant Classification Sherloc (09022015). Collection method: clinical testing. Allele origin: germline.
Comment: ClinVar contains an entry for this variant (Variation ID: 1351781). This variant has not been reported in the literature in individuals affected with NUS1-related conditions. This variant is not present in population databases (gnomAD no frequency). This sequence change creates a premature translational stop signal (p.His257Profs*6) in the NUS1 gene. While this is not anticipated to result in nonsense mediated decay, it is expected to disrupt the last 37 amino acid(s) of the NUS1 protein. This variant disrupts a region of the NUS1 protein in which other variant(s) (p.Arg290Cys) have been determined to be pathogenic (Invitae). This suggests that this is a clinically significant region of the protein, and that variants that disrupt it are likely to be disease-causing. For these reasons, this variant has been classified as Pathogenic.

NM_138459.5(NUS1):c.765_769dup (p.His257fs)

Gene: NUS1 (NUS1 dehydrodolichyl diphosphate synthase subunit; plus strand). Cytogenetic location: 6q22.1.
Variant type: Duplication.
Coding change: c.765_769dup on transcript NM_138459.5 (MANE Select); coding-DNA positions 765 to 769, 5 bases duplicated (CTGGC; older notation c.765_769dupCTGGC).
Protein change: p.His257fs; shifts the reading frame from histidine 257.
Molecular consequence: frameshift variant.
Genome position (GRCh38, 1-based): chr6:117,703,678-117,703,682, CTGGC duplicated; duplicating any 5 consecutive bases within chr6:117,703,677-117,703,682 gives the same sequence; the c. name uses the placement nearest the transcript's 3' end. VCF-style (leftmost placement, unchanged base first): chr6-117703676-C-CCCTGG. GRCh37 (hg19) VCF-style: chr6-118024839-C-CCCTGG.
Other names: short protein forms H257fs.
Identifiers: ClinVar variation 1351781 (VCV001351781.6), dbSNP rs2114693926, ClinGen allele CA2573140431.